The following is an entry in ClinVar:

NM_130837.3(OPA1):c.298C>G (p.Leu100Val)

Gene: OPA1 (OPA1 mitochondrial dynamin like GTPase; plus strand). Cytogenetic location: 3q29.
Variant type: single nucleotide variant.
Coding change: c.298C>G on transcript NM_130837.3 (MANE Select); coding-DNA position 298, C replaced by G.
Protein change: p.Leu100Val; replaces leucine 100 with valine.
Molecular consequence: missense variant. On other transcripts: 5 prime UTR variant (2).
Genome position (GRCh38, 1-based): chr3:193,614,988, C>G. VCF-style: chr3-193614988-C-G. GRCh37 (hg19) VCF-style: chr3-193332777-C-G.
Other names: c.298C>G, p.Leu100Val (NM_130831.3, NM_130832.3, NM_130833.3 and 4 more transcripts); c.-75C>G (NM_001354663.2, NM_001354664.2); short protein forms L100V.
Identifiers: ClinVar variation 2132627 (VCV002132627.4), dbSNP rs2474577737, ClinGen allele CA355786915.

ClinVar aggregate classification (germline): Uncertain significance (1 of 4 stars; one submission).

Submission:

Labcorp Genetics (formerly Invitae), Labcorp
Classification: Uncertain significance. Last evaluated: 2022-09-27. Review status: criteria provided, single submitter. Criteria: Invitae Variant Classification Sherloc (09022015). Collection method: clinical testing. Allele origin: germline.
Comment: In summary, the available evidence is currently insufficient to determine the role of this variant in disease. Therefore, it has been classified as a Variant of Uncertain Significance. Advanced modeling of protein sequence and biophysical properties (such as structural, functional, and spatial information, amino acid conservation, physicochemical variation, residue mobility, and thermodynamic stability) performed at Invitae indicates that this missense variant is not expected to disrupt OPA1 protein function. This variant has not been reported in the literature in individuals affected with OPA1-related conditions. This variant is not present in population databases (gnomAD no frequency). This sequence change replaces leucine, which is neutral and non-polar, with valine, which is neutral and non-polar, at codon 100 of the OPA1 protein (p.Leu100Val).